The following is an entry in ClinVar:

NM_001376.5(DYNC1H1):c.9209C>T (p.Pro3070Leu)

Genes: DYNC1H1 (dynein cytoplasmic 1 heavy chain 1; plus strand), LOC126862060 (BRD4-independent group 4 enhancer GRCh37_chr14:102493659-102494858; plus strand). Cytogenetic location: 14q32.31.
Variant type: single nucleotide variant.
Coding change: c.9209C>T on transcript NM_001376.5 (MANE Select); coding-DNA position 9209, C replaced by T.
Protein change: p.Pro3070Leu; replaces proline 3070 with leucine.
Molecular consequence: missense variant.
Genome position (GRCh38, 1-based): chr14:102,027,779, C>T. VCF-style: chr14-102027779-C-T. GRCh37 (hg19) VCF-style: chr14-102494116-C-T.
Other names: short protein forms P3070L.
Identifiers: ClinVar variation 1164040 (VCV001164040.3), dbSNP rs2152589194, ClinGen allele CA391011494.

ClinVar aggregate classification (germline): Uncertain significance. Review status: criteria provided, single submitter (1 of 4 stars). 2 submissions from 2 submitters: Uncertain significance (1). 1 of the submissions does not count toward it. Last evaluated 2024-08-28.

Conditions:
Cortical dysplasia, complex, with other brain malformations 13. Also called: Intellectual disability, autosomal dominant 13. Identifiers: MedGen C3281202, MONDO:0013805, OMIM 614563.
Charcot-Marie-Tooth disease axonal type 2O. Also called: CHARCOT-MARIE-TOOTH NEUROPATHY, AXONAL, TYPE 2O; CHARCOT-MARIE-TOOTH DISEASE, AXONAL, AUTOSOMAL DOMINANT, TYPE 2O; Charcot-Marie-Tooth Neuropathy Type 2O; Charcot-Marie-Tooth disease, axonal, type 20. Identifiers: Orphanet 284232, MedGen C3280220, MONDO:0013644, OMIM 614228.

Submissions (2):

Labcorp Genetics (formerly Invitae), Labcorp
Classification: Uncertain significance for Charcot-Marie-Tooth disease axonal type 2O. Last evaluated: 2024-08-28. Review status: criteria provided, single submitter. Criteria: Invitae Variant Classification Sherloc (09022015). Collection method: clinical testing. Allele origin: germline.
Comment: This sequence change replaces proline, which is neutral and non-polar, with leucine, which is neutral and non-polar, at codon 3070 of the DYNC1H1 protein (p.Pro3070Leu). This variant is not present in population databases (gnomAD no frequency). This missense change has been observed in individual(s) with DYNC1H1-related conditions (PMID: 34580403). ClinVar contains an entry for this variant (Variation ID: 1164040). Invitae Evidence Modeling of protein sequence and biophysical properties (such as structural, functional, and spatial information, amino acid conservation, physicochemical variation, residue mobility, and thermodynamic stability) indicates that this missense variant is expected to disrupt DYNC1H1 protein function with a positive predictive value of 95%. In summary, the available evidence is currently insufficient to determine the role of this variant in disease. Therefore, it has been classified as a Variant of Uncertain Significance.

Pediatric Genetics Clinic, Sheba Medical Center
Classification: Likely pathogenic for Cortical dysplasia, complex, with other brain malformations 13. Last evaluated: 2021-05-13. Review status: no assertion criteria provided. Collection method: clinical testing. Allele origin: de novo. Affected: yes. Observed: 1 heterozygote. Not counted in ClinVar's aggregate classification.

Literature cited by the submitters: PubMed 34580403 (cited by Labcorp Genetics (formerly Invitae), Labcorp).